The following is an entry in ClinVar:

ClinVar aggregate classification (germline): Uncertain significance (1 of 4 stars; one submission).

gnomAD v4.1: 3 of 1,610,680 alleles (0.00019%); highest among the groups gnomAD compares: Admixed American, 0.0033%; no homozygotes.

Submission:

Labcorp Genetics (formerly Invitae), Labcorp
Classification: Uncertain significance. Last evaluated: 2025-12-01. Review status: criteria provided, single submitter. Criteria: Invitae Variant Classification Sherloc (09022015). Collection method: clinical testing. Allele origin: germline.
Comment: This sequence change falls in intron 4 of the PSMB4 gene. It does not directly change the encoded amino acid sequence of the PSMB4 protein. This variant is not present in population databases (gnomAD no frequency). This variant has not been reported in the literature in individuals affected with PSMB4-related conditions. Algorithms developed to predict the effect of sequence changes on RNA splicing suggest that this variant may create or strengthen a splice site. In summary, the available evidence is currently insufficient to determine the role of this variant in disease. Therefore, it has been classified as a Variant of Uncertain Significance.

NM_002796.3(PSMB4):c.577-13C>G

Gene: PSMB4 (proteasome 20S subunit beta 4; plus strand). Cytogenetic location: 1q21.3.
Variant type: single nucleotide variant.
Coding change: c.577-13C>G on transcript NM_002796.3 (MANE Select); 13 bases into the intron before coding-DNA position 577, C replaced by G.
Molecular consequence: intron variant.
Genome position (GRCh38, 1-based): chr1:151,401,226, C>G. VCF-style: chr1-151401226-C-G. GRCh37 (hg19) VCF-style: chr1-151373702-C-G.
Identifiers: ClinVar variation 4694281 (VCV004694281.1).